The following is an entry in ClinVar:

NM_000051.4(ATM):c.1582A>G (p.Thr528Ala)

Gene: ATM (ATM serine/threonine kinase; plus strand). Cytogenetic location: 11q22.3.
Variant type: single nucleotide variant.
Coding change: c.1582A>G on transcript NM_000051.4 (MANE Select); coding-DNA position 1582, A replaced by G.
Protein change: p.Thr528Ala; replaces threonine 528 with alanine.
Molecular consequence: missense variant.
Genome position (GRCh38, 1-based): chr11:108,251,047, A>G. VCF-style: chr11-108251047-A-G. GRCh37 (hg19) VCF-style: chr11-108121774-A-G.
Other names: c.1582A>G, p.Thr528Ala (NM_001351834.2); short protein forms T528A.
Identifiers: ClinVar variation 230581 (VCV000230581.19), dbSNP rs876658647, ClinGen allele CA10579015.

ClinVar aggregate classification (germline): Conflicting classifications of pathogenicity. Review status: criteria provided, conflicting classifications (1 of 4 stars). 3 submissions from 3 submitters: Uncertain significance (2); Likely benign (1). Last evaluated 2026-01-22.

Conditions:
Hereditary cancer-predisposing syndrome. Also called: Hereditary Cancer Syndrome; Neoplastic Syndromes, Hereditary; Tumor predisposition; Hereditary neoplastic syndrome. Identifiers: Orphanet 140162, MedGen C0027672, MeSH D009386, MONDO:0015356.
Ataxia-telangiectasia syndrome (AT). Also called: Ataxia telangiectasia (A-T); Ataxia-telangiectasia, complementation group E; LOUIS-BAR SYNDROME; Cerebello-oculocutaneous telangiectasia; Immunodeficiency with ataxia telangiectasia; Ataxia-telangiectasia, complementation group D. Identifiers: Orphanet 100, MedGen C0004135, MONDO:0008840, OMIM 208900.

Submissions (3):

Labcorp Genetics (formerly Invitae), Labcorp
Classification: Uncertain significance for Ataxia-telangiectasia syndrome. Last evaluated: 2026-01-22. Review status: criteria provided, single submitter. Criteria: Invitae Variant Classification Sherloc (09022015). Collection method: clinical testing. Allele origin: germline.
Comment: This sequence change replaces threonine, which is neutral and polar, with alanine, which is neutral and non-polar, at codon 528 of the ATM protein (p.Thr528Ala). This variant is not present in population databases (gnomAD no frequency). This variant has not been reported in the literature in individuals affected with ATM-related conditions. ClinVar contains an entry for this variant (Variation ID: 230581). Invitae Evidence Modeling of protein sequence and biophysical properties (such as structural, functional, and spatial information, amino acid conservation, physicochemical variation, residue mobility, and thermodynamic stability) indicates that this missense variant is not expected to disrupt ATM protein function with a negative predictive value of 95%. In summary, the available evidence is currently insufficient to determine the role of this variant in disease. Therefore, it has been classified as a Variant of Uncertain Significance.

Ambry Genetics
Classification: Likely benign for Hereditary cancer-predisposing syndrome. Last evaluated: 2024-10-10. Review status: criteria provided, single submitter. Criteria: Ambry Variant Classification Scheme 2023. Collection method: clinical testing. Allele origin: germline.

Color Diagnostics, LLC DBA Color Health
Classification: Uncertain significance for Hereditary cancer-predisposing syndrome. Last evaluated: 2024-03-06. Review status: criteria provided, single submitter. Criteria: ACMG Guidelines, 2015. Collection method: clinical testing. Allele origin: germline.
Comment: This missense variant replaces threonine with alanine at codon 528 of the ATM protein. Computational prediction tool suggests that this variant may not impact protein structure and function (internally defined REVEL score threshold <=0.5, PMID: 27666373). Splice site prediction tools suggest that this variant may not impact RNA splicing. To our knowledge, functional studies have not been performed for this variant. This variant has not been reported in individuals affected with hereditary cancer in the literature. This variant has not been identified in the general population by the Genome Aggregation Database (gnomAD). The available evidence is insufficient to determine the role of this variant in disease conclusively. Therefore, this variant is classified as a Variant of Uncertain Significance.